The following is an entry in ClinVar:

ClinVar aggregate classification (germline): Uncertain significance (1 of 4 stars; one submission).

Submission:

GeneDx
Classification: Uncertain significance. Last evaluated: 2024-08-09. Review status: criteria provided, single submitter. Criteria: GeneDx Variant Classification Process June 2021. Collection method: clinical testing. Allele origin: germline. Affected: yes.
Comment: Not observed at significant frequency in large population cohorts (gnomAD); In silico analysis indicates that this missense variant does not alter protein structure/function; Has not been previously published as pathogenic or benign to our knowledge

NM_001077350.3(NPRL3):c.505C>G (p.Leu169Val)

Genes: HBA-LCR (alpha-globin locus control region; plus strand), NPRL3 (NPR3 like, GATOR1 complex subunit; minus strand). Cytogenetic location: 16p13.3.
Variant type: single nucleotide variant.
Coding change: c.505C>G on transcript NM_001077350.3 (MANE Select); coding-DNA position 505, C replaced by G.
Protein change: p.Leu169Val; replaces leucine 169 with valine.
Molecular consequence: missense variant. On other transcripts: 5 prime UTR variant (1).
Genome position (GRCh38, 1-based): chr16:112,664, G>C on the plus strand (C>G on the coding strand, the complement: NPRL3 is on the minus strand). VCF-style: chr16-112664-G-C. GRCh37 (hg19) VCF-style: chr16-162663-G-C.
Other names: c.-33C>G (NM_001039476.3); c.271C>G, p.Leu91Val (NM_001243247.2); c.430C>G, p.Leu144Val (NM_001243248.2, NM_001243249.2); short protein forms L144V, L169V, L91V.
Identifiers: ClinVar variation 3602889 (VCV003602889.1).